The following is an entry in ClinVar:

ClinVar aggregate classification (germline): Uncertain significance (1 of 4 stars; one submission).

gnomAD v4.1: 5 of 1,611,150 alleles (0.00031%); highest among the groups gnomAD compares: Admixed American, 0.0017%; no homozygotes.

Submission:

GeneDx
Classification: Uncertain significance. Last evaluated: 2025-06-10. Review status: criteria provided, single submitter. Criteria: GeneDx Variant Classification Process June 2021. Collection method: clinical testing. Allele origin: germline. Affected: yes.
Comment: Not observed at significant frequency in large population cohorts (gnomAD); In silico analysis supports that this missense variant has a deleterious effect on protein structure/function; Has not been previously published as pathogenic or benign to our knowledge

NM_015015.3(KDM4B):c.296G>A (p.Arg99His)

Gene: KDM4B (lysine demethylase 4B; plus strand). Cytogenetic location: 19p13.3.
Variant type: single nucleotide variant.
Coding change: c.296G>A on transcript NM_015015.3 (MANE Select); coding-DNA position 296, G replaced by A.
Protein change: p.Arg99His; replaces arginine 99 with histidine.
Molecular consequence: missense variant.
Genome position (GRCh38, 1-based): chr19:5,039,990, G>A. VCF-style: chr19-5039990-G-A. GRCh37 (hg19) VCF-style: chr19-5040001-G-A.
Other names: c.296G>A, p.Arg99His (NM_001370093.1, NM_001370094.1, NM_001411148.1); short protein forms R99H.
Identifiers: ClinVar variation 4538100 (VCV004538100.1).